The following is an entry in ClinVar:

ClinVar aggregate classification (germline): Uncertain significance. Review status: criteria provided, single submitter (1 of 4 stars). 2 submissions from 2 submitters: Uncertain significance (1). 1 of the submissions does not count toward it. Last evaluated 2025-08-08.

Conditions:
PLXND1-related disorder. Also called: PLXND1-related condition.

Allele frequency attached by ClinVar (database versions not stated): gnomAD exomes 0.00013; 1000 Genomes Project 30x 0.00078; gnomAD 0.00135; ESP Exome Variant Server 0.00138; ExAC 0.00052; 1000 Genomes Project 0.00060.

Submissions (5):

Ambry Genetics
Classification: Uncertain significance. Last evaluated: 2025-08-08. Review status: criteria provided, single submitter. Criteria: Ambry Variant Classification Scheme 2023. Collection method: clinical testing. Allele origin: germline.

PreventionGenetics, part of Exact Sciences
Classification: Likely benign for PLXND1-related condition. Last evaluated: 2023-03-21. Review status: no assertion criteria provided. Collection method: clinical testing. Allele origin: germline. Not counted in ClinVar's aggregate classification.
Comment: This variant is classified as likely benign based on ACMG/AMP sequence variant interpretation guidelines (Richards et al. 2015 PMID: 25741868, with internal and published modifications).

Dr. Peter K. Rogan Lab, Western University
No classification provided (evidence only). Condition: Acute myeloid leukemia. Review status: no classification provided. Collection method: in vitro. Allele origin: not applicable. Functional consequence: retained intron. Not counted in ClinVar's aggregate classification.

Dr. Peter K. Rogan Lab, Western University
No classification provided (evidence only). Condition: Hepatocellular carcinoma. Review status: no classification provided. Collection method: in vitro. Allele origin: not applicable. Functional consequence: retained intron. Not counted in ClinVar's aggregate classification.

Dr. Peter K. Rogan Lab, Western University
No classification provided (evidence only). Condition: Gastric cancer. Review status: no classification provided. Collection method: in vitro. Allele origin: not applicable. Functional consequence: retained intron. Not counted in ClinVar's aggregate classification.

NM_015103.3(PLXND1):c.4954A>G (p.Met1652Val)

Gene: PLXND1 (plexin D1; minus strand). Cytogenetic location: 3q22.1.
Variant type: single nucleotide variant.
Coding change: c.4954A>G on transcript NM_015103.3 (MANE Select); coding-DNA position 4954, A replaced by G.
Protein change: p.Met1652Val; replaces methionine 1652 with valine.
Molecular consequence: missense variant.
Genome position (GRCh38, 1-based): chr3:129,561,685, T>C on the plus strand (A>G on the coding strand, the complement: PLXND1 is on the minus strand). VCF-style: chr3-129561685-T-C. GRCh37 (hg19) VCF-style: chr3-129280528-T-C.
Other names: NC_000003.11:g.129280528T>C; short protein forms M1652V.
Identifiers: ClinVar variation 3049180 (VCV003049180.4), dbSNP rs146413906, ClinGen allele CA2608057.